The following is an entry in ClinVar:

ClinVar aggregate classification (germline): Uncertain significance (1 of 4 stars; one submission).

Conditions:
Nephronophthisis. Also called: Juvenile Nephronophthisis. Identifiers: Orphanet 655, MedGen C0687120, MONDO:0019005, HP:0000090.

Submission:

Labcorp Genetics (formerly Invitae), Labcorp
Classification: Uncertain significance for Nephronophthisis. Last evaluated: 2022-02-05. Review status: criteria provided, single submitter. Criteria: Invitae Variant Classification Sherloc (09022015). Collection method: clinical testing. Allele origin: germline.
Comment: In summary, the available evidence is currently insufficient to determine the role of this variant in disease. Therefore, it has been classified as a Variant of Uncertain Significance. Algorithms developed to predict the effect of missense changes on protein structure and function are either unavailable or do not agree on the potential impact of this missense change (SIFT: "Deleterious"; PolyPhen-2: "Probably Damaging"; Align-GVGD: "Class C0"). ClinVar contains an entry for this variant (Variation ID: 849257). This variant has not been reported in the literature in individuals affected with NPHP1-related conditions. This variant is not present in population databases (gnomAD no frequency). This sequence change replaces glycine, which is neutral and non-polar, with serine, which is neutral and polar, at codon 188 of the NPHP1 protein (p.Gly188Ser).

NM_001128178.3(NPHP1):c.562G>A (p.Gly188Ser)

Gene: NPHP1 (nephrocystin 1; minus strand). Cytogenetic location: 2q13.
Variant type: single nucleotide variant.
Coding change: c.562G>A on transcript NM_001128178.3 (MANE Select); coding-DNA position 562, G replaced by A.
Protein change: p.Gly188Ser; replaces glycine 188 with serine.
Molecular consequence: missense variant.
Genome position (GRCh38, 1-based): chr2:110,168,514, C>T on the plus strand (G>A on the coding strand, the complement: NPHP1 is on the minus strand). VCF-style: chr2-110168514-C-T. GRCh37 (hg19) VCF-style: chr2-110926091-C-T.
Other names: c.562G>A, p.Gly188Ser (NM_000272.5, NM_001374256.1, NM_001374257.1 and 1 more transcripts); c.376G>A, p.Gly126Ser (NM_001128179.3); short protein forms G126S, G188S.
Identifiers: ClinVar variation 849257 (VCV000849257.9), dbSNP rs1682878259, ClinGen allele CA348092675.